The following is an entry in ClinVar:

NM_000231.3(SGCG):c.196-1G>T

Gene: SGCG (sarcoglycan gamma; plus strand). Cytogenetic location: 13q12.12.
Variant type: single nucleotide variant.
Coding change: c.196-1G>T on transcript NM_000231.3 (MANE Select); the canonical splice acceptor site of the intron before coding-DNA position 196, G replaced by T.
Molecular consequence: splice acceptor variant.
Genome position (GRCh38, 1-based): chr13:23,234,610, G>T. VCF-style: chr13-23234610-G-T. GRCh37 (hg19) VCF-style: chr13-23808749-G-T.
Other names: c.250-1G>T (NM_001378244.1); c.196-1G>T (NM_001378245.1, NM_001378246.1).
Identifiers: ClinVar variation 4817940 (VCV004817940.1).

ClinVar aggregate classification (germline): Likely pathogenic (1 of 4 stars; one submission).

Conditions:
Autosomal recessive limb-girdle muscular dystrophy type 2C (LGMDR5). Also called: MUSCULAR DYSTROPHY, DUCHENNE-LIKE; MUSCULAR DYSTROPHY, LIMB-GIRDLE, AUTOSOMAL RECESSIVE 5. Identifiers: Orphanet 353, MedGen C0410173, MONDO:0009677, OMIM 253700. Disease mechanism: Affects gamma-sarcoglycan and also disrupts the integrity of the entire sarcoglycan complex..

Submission:

Natera, Inc.
Classification: Likely pathogenic for Limb-girdle muscular dystrophy type 2C. Last evaluated: 2024-07-03. Review status: criteria provided, single submitter. Criteria: Natera Variant Classification Schema (03/2026). Collection method: clinical testing. Allele origin: germline.
Comment: The c.196-1G>T variant in SGCG is a canonical splice acceptor site variant predicted to affect pre-mRNA splicing, which may result in an abnormal transcript and altered protein product. This variant is expected to result in nonsense mediated decay, truncation, or a dysfunctional protein product. This variant is rare in the general population with a frequency below the threshold expected for the associated phenotype(s). Given the available evidence, this variant is classified as Likely Pathogenic.